The following is an entry in ClinVar:

NM_014918.5(CHSY1):c.21C>T (p.Arg7=)

Genes: CHSY1 (chondroitin sulfate synthase 1; minus strand), LOC130058068 (ATAC-STARR-seq lymphoblastoid silent region 6885; plus strand). Cytogenetic location: 15q26.3.
Variant type: single nucleotide variant.
Coding change: c.21C>T on transcript NM_014918.5 (MANE Select); coding-DNA position 21, C replaced by T.
Protein change: p.Arg7=; no amino-acid change (arginine 7 retained).
Molecular consequence: synonymous variant.
Genome position (GRCh38, 1-based): chr15:101,251,436, G>A on the plus strand (C>T on the coding strand, the complement: CHSY1 is on the minus strand). VCF-style: chr15-101251436-G-A. GRCh37 (hg19) VCF-style: chr15-101791641-G-A.
Identifiers: ClinVar variation 594475 (VCV000594475.25), dbSNP rs751409111, ClinGen allele CA7762818.

ClinVar aggregate classification (germline): Conflicting classifications of pathogenicity. Review status: criteria provided, conflicting classifications (1 of 4 stars). 4 submissions from 4 submitters: Uncertain significance (1); Likely benign (3). Last evaluated 2025-12-23.

Conditions:
Temtamy preaxial brachydactyly syndrome (TPBS). Identifiers: Orphanet 363417, MedGen C1854466, MONDO:0011533, OMIM 605282.

Allele frequency attached by ClinVar (database versions not stated): 1000 Genomes Project 30x 0.00062; gnomAD 0.00086; TOPMed 0.00093; ExAC 0.00153.
gnomAD v4.1: 1,513 of 1,072,642 alleles (0.14%); highest among the groups gnomAD compares: Non-Finnish European, 0.16%; 4 homozygotes.

Submissions (4):

Labcorp Genetics (formerly Invitae), Labcorp
Classification: Likely benign for Temtamy preaxial brachydactyly syndrome. Last evaluated: 2025-12-23. Review status: criteria provided, single submitter. Criteria: Invitae Variant Classification Sherloc (09022015). Collection method: clinical testing. Allele origin: germline.

CeGaT Center for Human Genetics Tuebingen
Classification: Likely benign. Last evaluated: 2025-05-01. Review status: criteria provided, single submitter. Criteria: CeGaT Center For Human Genetics Tuebingen Variant Classification Criteria Version 2. Collection method: clinical testing. Allele origin: germline. Affected: yes. Observed: 1 variant allele.
Comment: CHSY1: BP4, BP7

Blueprint Genetics
Classification: Likely benign. Last evaluated: 2024-11-06. Review status: criteria provided, single submitter. Criteria: ACMG Guidelines, 2015. Collection method: clinical testing. Allele origin: germline.

Eurofins Ntd Llc (ga)
Classification: Uncertain significance. Last evaluated: 2017-10-20. Review status: criteria provided, single submitter. Criteria: EGL Classification Definitions 2015. Collection method: clinical testing. Allele origin: germline. Observed: 1 variant allele, 1 heterozygote.